The following is an entry in ClinVar:

NM_015978.3(TNNI3K):c.2305T>A (p.Leu769Met)

Genes: FPGT-TNNI3K (FPGT-TNNI3K readthrough; plus strand), LRRC53 (leucine rich repeat containing 53; minus strand), TNNI3K (TNNI3 interacting kinase; plus strand). Cytogenetic location: 1p31.1.
Variant type: single nucleotide variant.
Coding change: c.2305T>A on transcript NM_015978.3 (MANE Select); coding-DNA position 2305, T replaced by A.
Protein change: p.Leu769Met; replaces leucine 769 with methionine.
Molecular consequence: missense variant. On other transcripts: intron variant (2).
Genome position (GRCh38, 1-based): chr1:74,492,220, T>A. VCF-style: chr1-74492220-T-A. GRCh37 (hg19) VCF-style: chr1-74957904-T-A.
Other names: c.2608T>A, p.Leu870Met (NM_001112808.3); c.-8-11252A>T (NM_001364666.2); c.-26-8845A>T (NM_001382280.1); short protein forms L870M, L769M.
Identifiers: ClinVar variation 3653336 (VCV003653336.2).
Genomic context (GRCh38, chr1:74,492,220, plus strand): 5'-CTGGTGAACCGGGGAGGACCTGGCCGGAGTCATGTGGCAGCATTAAGAAGTCGTTTCGAA[T>A]TGGAATATGCTCTAAATGCAAGGTCCTATGCTGCTTTGTCCCAAAGGTGAGTGGTAATAT-3'
Protein context (NP_057062.1, residues 759-779): HVAALRSRFE[Leu769Met]EYALNARSYA

ClinVar aggregate classification (germline): Uncertain significance (1 of 4 stars; one submission).

Submission:

Labcorp Genetics (formerly Invitae), Labcorp
Classification: Uncertain significance. Last evaluated: 2024-05-14. Review status: criteria provided, single submitter. Criteria: Invitae Variant Classification Sherloc (09022015). Collection method: clinical testing. Allele origin: germline.
Comment: This sequence change replaces leucine, which is neutral and non-polar, with methionine, which is neutral and non-polar, at codon 769 of the TNNI3K protein (p.Leu769Met). This variant is not present in population databases (gnomAD no frequency). This variant has not been reported in the literature in individuals affected with TNNI3K-related conditions. An algorithm developed to predict the effect of missense changes on protein structure and function (PolyPhen-2) suggests that this variant is likely to be tolerated. In summary, the available evidence is currently insufficient to determine the role of this variant in disease. Therefore, it has been classified as a Variant of Uncertain Significance.